The following is an entry in ClinVar:

NM_004431.5(EPHA2):c.2928_2929del (p.Ile976fs)

Gene: EPHA2 (EPH receptor A2; minus strand). Cytogenetic location: 1p36.13.
Variant type: Deletion.
Coding change: c.2928_2929del on transcript NM_004431.5 (MANE Select); coding-DNA positions 2928 to 2929, 2 bases deleted (CT; older notation c.2928_2929delCT).
Protein change: p.Ile976fs; shifts the reading frame from isoleucine 976.
Molecular consequence: frameshift variant.
Genome position (GRCh38, 1-based): chr1:16,125,217-16,125,218, AG deleted on the plus strand (CT on the coding strand, the reverse complement: EPHA2 is on the minus strand); deleting any 2 consecutive bases within chr1:16,125,217-16,125,219 gives the same sequence; the c. name uses the placement nearest the transcript's 3' end. VCF-style (leftmost placement, unchanged base first): chr1-16125216-CAG-C. GRCh37 (hg19) VCF-style: chr1-16451711-CAG-C.
Other names: c.2766_2767del, p.Ile922fs (NM_001329090.2); short protein forms I922fs, I976fs.
Identifiers: ClinVar variation 2633255 (VCV002633255.1), dbSNP rs2524522657, ClinGen allele CA2695197975.

ClinVar aggregate classification (germline): Likely pathogenic (1 of 4 stars; one submission).

Conditions:
EPHA2-related disorder. Also called: EPHA2-related condition.

Submission:

PreventionGenetics, part of Exact Sciences
Classification: Likely pathogenic for EPHA2-related condition. Last evaluated: 2023-05-12. Review status: criteria provided, single submitter. Criteria: ACMG Guidelines, 2015. Collection method: clinical testing. Allele origin: germline.
Comment: The EPHA2 c.2928_2929delCT variant is predicted to result in a frameshift and premature protein termination (p.Ile976Metfs*36). This variant disrupts the stop codon of the EPHA2 gene and leads to extension of the coding sequence by 36 amino acids. To our knowledge, this variant has not been reported in the literature or in a large population database, indicating this variant is rare. Of note other variants leading to frameshifts and extension of the EPHA2 protein have been reported in patients with cataracts. (p.Ile976Hisfs*37 reported in Reis et al. 2014. PubMed ID: 24940039; p.Val972Glyfs*40 reported in Zhang et al. 2009. PubMed ID: 19306328). Frameshift variants in EPHA2 are expected to be pathogenic. This variant is interpreted as likely pathogenic.